The following is an entry in ClinVar:

NM_001384474.1(LOXHD1):c.3949G>A (p.Val1317Ile)

Gene: LOXHD1 (lipoxygenase homology PLAT domains 1; minus strand). Cytogenetic location: 18q21.1.
Variant type: single nucleotide variant.
Coding change: c.3949G>A on transcript NM_001384474.1 (MANE Select); coding-DNA position 3949, G replaced by A.
Protein change: p.Val1317Ile; replaces valine 1317 with isoleucine.
Molecular consequence: missense variant.
Genome position (GRCh38, 1-based): chr18:46,538,302, C>T on the plus strand (G>A on the coding strand, the complement: LOXHD1 is on the minus strand). VCF-style: chr18-46538302-C-T. GRCh37 (hg19) VCF-style: chr18-44118265-C-T.
Other names: c.616G>A, p.Val206Ile (NM_001145472.3); c.328G>A, p.Val110Ile (NM_001308013.2); c.3949G>A, p.Val1317Ile (NM_144612.7); short protein forms V206I, V110I, V1317I.
Identifiers: ClinVar variation 2072357 (VCV002072357.1), dbSNP rs919978116, ClinGen allele CA299804897.

ClinVar aggregate classification (germline): Uncertain significance (1 of 4 stars; one submission).

Allele frequency attached by ClinVar (database versions not stated): gnomAD 0.00001; TOPMed 0.00002; gnomAD exomes 0.00003.
gnomAD v4.1: 42 of 1,551,380 alleles (0.0027%); highest among the groups gnomAD compares: Admixed American, 0.016%; no homozygotes.

Submission:

Labcorp Genetics (formerly Invitae), Labcorp
Classification: Uncertain significance. Last evaluated: 2021-10-09. Review status: criteria provided, single submitter. Criteria: Invitae Variant Classification Sherloc (09022015). Collection method: clinical testing. Allele origin: germline.
Comment: This sequence change replaces valine with isoleucine at codon 1317 of the LOXHD1 protein (p.Val1317Ile). The valine residue is highly conserved and there is a small physicochemical difference between valine and isoleucine. This variant is not present in population databases (ExAC no frequency). This variant has not been reported in the literature in individuals with LOXHD1-related disease. Algorithms developed to predict the effect of missense changes on protein structure and function (SIFT, PolyPhen-2, Align-GVGD) all suggest that this variant is likely to be tolerated, but these predictions have not been confirmed by published functional studies and their clinical significance is uncertain. In summary, the available evidence is currently insufficient to determine the role of this variant in disease. Therefore, it has been classified as a Variant of Uncertain Significance.